The following is an entry in ClinVar:

ClinVar aggregate classification (germline): Uncertain significance (1 of 4 stars; one submission).

Conditions:
Leukocyte adhesion deficiency 1 (LAD1). Also called: LEUKOCYTE ADHESION DEFICIENCY, TYPE I; LAD 1; Lymphocyte function-associated antigen 1 immunodeficiency; LFA 1 immunodeficiency. Identifiers: Orphanet 2968, Orphanet 99842, MedGen C0398738, MONDO:0007293, OMIM 116920.

Allele frequency attached by ClinVar (database versions not stated): gnomAD 0.00001; ExAC 0.00002; gnomAD exomes 0.00002; TOPMed 0.00002; ESP Exome Variant Server 0.00008.
gnomAD v4.1: 23 of 1,612,920 alleles (0.0014%); highest among the groups gnomAD compares: Middle Eastern, 0.016%; no homozygotes.

Submission:

Labcorp Genetics (formerly Invitae), Labcorp
Classification: Uncertain significance for Leukocyte adhesion deficiency 1. Last evaluated: 2022-09-27. Review status: criteria provided, single submitter. Criteria: Invitae Variant Classification Sherloc (09022015). Collection method: clinical testing. Allele origin: germline.
Comment: This sequence change replaces isoleucine, which is neutral and non-polar, with threonine, which is neutral and polar, at codon 477 of the ITGB2 protein (p.Ile477Thr). This variant is present in population databases (rs376491409, gnomAD 0.02%). This variant has not been reported in the literature in individuals affected with ITGB2-related conditions. ClinVar contains an entry for this variant (Variation ID: 569555). Algorithms developed to predict the effect of missense changes on protein structure and function output the following: SIFT: "Deleterious"; PolyPhen-2: "Benign"; Align-GVGD: "Class C65". The threonine amino acid residue is found in multiple mammalian species, which suggests that this missense change does not adversely affect protein function. In summary, the available evidence is currently insufficient to determine the role of this variant in disease. Therefore, it has been classified as a Variant of Uncertain Significance.

NM_000211.5(ITGB2):c.1430T>C (p.Ile477Thr)

Gene: ITGB2 (integrin subunit beta 2; minus strand). Cytogenetic location: 21q22.3.
Variant type: single nucleotide variant.
Coding change: c.1430T>C on transcript NM_000211.5 (MANE Select); coding-DNA position 1430, T replaced by C.
Protein change: p.Ile477Thr; replaces isoleucine 477 with threonine.
Molecular consequence: missense variant.
Genome position (GRCh38, 1-based): chr21:44,890,205, A>G on the plus strand (T>C on the coding strand, the complement: ITGB2 is on the minus strand). VCF-style: chr21-44890205-A-G. GRCh37 (hg19) VCF-style: chr21-46310120-A-G.
Other names: c.1430T>C, p.Ile477Thr (NM_001127491.3); c.1223T>C, p.Ile408Thr (NM_001303238.2); short protein forms I477T, I408T.
Identifiers: ClinVar variation 569555 (VCV000569555.4), dbSNP rs376491409, ClinGen allele CA10062809.